The following is an entry in ClinVar:

ClinVar aggregate classification (germline): Uncertain significance. Review status: criteria provided, multiple submitters, no conflicts (2 of 4 stars). 2 submissions from 2 submitters: Uncertain significance (2). Last evaluated 2024-11-10.

Conditions:
Hereditary cancer-predisposing syndrome. Also called: Neoplastic Syndromes, Hereditary; Tumor predisposition; Hereditary Cancer Syndrome; Hereditary neoplastic syndrome. Identifiers: Orphanet 140162, MedGen C0027672, MeSH D009386, MONDO:0015356.
Hereditary breast ovarian cancer syndrome. Also called: Hereditary breast and ovarian cancer syndrome; Breast and ovarian cancer; Hereditary breast and/or ovarian cancer syndrome; Hereditary breast and ovarian cancer; BRCA1- and BRCA2-Associated Hereditary Breast and Ovarian Cancer; Hereditary breast and ovarian cancer syndrome (HBOC). Identifiers: Orphanet 145, MedGen C0677776, MeSH D061325, MONDO:0003582. Disease mechanism: loss of function.

Allele frequency attached by ClinVar (database versions not stated): gnomAD exomes below 0.00001.
gnomAD v4.1: 1 of 1,614,108 alleles (0.000062%); highest among the groups gnomAD compares: Non-Finnish European, 0.000085%; no homozygotes.

Submissions (2):

Labcorp Genetics (formerly Invitae), Labcorp
Classification: Uncertain significance for Hereditary breast ovarian cancer syndrome. Last evaluated: 2024-11-10. Review status: criteria provided, single submitter. Criteria: Invitae Variant Classification Sherloc (09022015). Collection method: clinical testing. Allele origin: germline.
Comment: This sequence change replaces glutamine, which is neutral and polar, with arginine, which is basic and polar, at codon 126 of the BRCA1 protein (p.Gln126Arg). This variant is not present in population databases (gnomAD no frequency). This variant has not been reported in the literature in individuals affected with BRCA1-related conditions. ClinVar contains an entry for this variant (Variation ID: 1734826). Invitae Evidence Modeling of protein sequence and biophysical properties (such as structural, functional, and spatial information, amino acid conservation, physicochemical variation, residue mobility, and thermodynamic stability) has been performed for this missense variant. However, the output from this modeling did not meet the statistical confidence thresholds required to predict the impact of this variant on BRCA1 protein function. In summary, the available evidence is currently insufficient to determine the role of this variant in disease. Therefore, it has been classified as a Variant of Uncertain Significance.

Ambry Genetics
Classification: Uncertain significance for Hereditary cancer-predisposing syndrome. Last evaluated: 2024-05-26. Review status: criteria provided, single submitter. Criteria: Ambry Variant Classification Scheme 2023. Collection method: clinical testing. Allele origin: germline.
Comment: The p.Q126R variant (also known as c.377A>G), located in coding exon 5 of the BRCA1 gene, results from an A to G substitution at nucleotide position 377. The glutamine at codon 126 is replaced by arginine, an amino acid with highly similar properties. This amino acid position is highly conserved in available vertebrate species. In addition, this alteration is predicted to be deleterious by in silico analysis. Since supporting evidence is limited at this time, the clinical significance of this alteration remains unclear.

NM_007294.4(BRCA1):c.377A>G (p.Gln126Arg)

Gene: BRCA1 (BRCA1 DNA repair associated; minus strand). Cytogenetic location: 17q21.31.
Variant type: single nucleotide variant.
Coding change: c.377A>G on transcript NM_007294.4 (MANE Select); coding-DNA position 377, A replaced by G.
Protein change: p.Gln126Arg; replaces glutamine 126 with arginine.
Molecular consequence: missense variant. On other transcripts: non-coding transcript variant (1).
Genome position (GRCh38, 1-based): chr17:43,104,186, T>C on the plus strand (A>G on the coding strand, the complement: BRCA1 is on the minus strand). VCF-style: chr17-43104186-T-C. GRCh37 (hg19) VCF-style: chr17-41256203-T-C.
Other names: c.236A>G, p.Gln79Arg (NM_001408465.1, NM_001408466.1, NM_001408467.1 and 99 more transcripts); c.377A>G, p.Gln126Arg (NM_001408472.1, NM_001408473.1, NM_001408494.1 and 165 more transcripts); c.299A>G, p.Gln100Arg (NM_001408474.1, NM_001408475.1, NM_001408476.1 and 21 more transcripts); c.167A>G, p.Gln56Arg (NM_001408478.1, NM_001408479.1, NM_001408480.1 and 58 more transcripts); c.-5A>G (NM_001408510.1, NM_001408512.1, NM_001407959.1 and 4 more transcripts); c.368A>G, p.Gln123Arg (NM_001407646.1, NM_001407647.1, NM_001408408.1); c.245A>G, p.Gln82Arg (NM_001408451.1); short protein forms Q100R, Q123R, Q79R, Q126R, Q56R, Q82R.
Identifiers: ClinVar variation 1734826 (VCV001734826.6), dbSNP rs2552251502, ClinGen allele CA10601389.
Genomic context (GRCh38, chr17:43,104,186, plus strand): 5'-GAAGGATTTTCGGGTTCACTCTGTAGAAGTCTTTTGGCACGGTTTCTGTAGCCCATACTT[T>C]GGATGATAGAAACTTCATCTTTTAGATGTTCAGGAGAGTTATTTTCCTTTTTTGCAAAAT-3'
Protein context (NP_009225.1, residues 116-136): EHLKDEVSII[Gln126Arg]SMGYRNRAKR